The following is an entry in ClinVar:

ClinVar aggregate classification (germline): Pathogenic/Likely pathogenic. Review status: criteria provided, multiple submitters, no conflicts (2 of 4 stars). 2 submissions from 2 submitters: Pathogenic (1); Likely pathogenic (1). Last evaluated 2024-09-24.

Conditions:
Duchenne muscular dystrophy (DMD). Also called: MUSCULAR DYSTROPHY, PSEUDOHYPERTROPHIC PROGRESSIVE, DUCHENNE TYPE; Duchenne Muscular Dystrophy (DMD). Identifiers: Orphanet 98896, MedGen C0013264, MONDO:0010679, OMIM 310200.

Submissions (2):

Labcorp Genetics (formerly Invitae), Labcorp
Classification: Pathogenic for Duchenne muscular dystrophy. Last evaluated: 2024-09-24. Review status: criteria provided, single submitter. Criteria: Invitae Variant Classification Sherloc (09022015). Collection method: clinical testing. Allele origin: germline.
Comment: This sequence change creates a premature translational stop signal (p.Glu3062Glyfs*36) in the DMD gene. It is expected to result in an absent or disrupted protein product. Loss-of-function variants in DMD are known to be pathogenic (PMID: 16770791, 25007885). This variant is not present in population databases (gnomAD no frequency). This variant has not been reported in the literature in individuals affected with DMD-related conditions. For these reasons, this variant has been classified as Pathogenic.

Revvity Omics, Revvity
Classification: Likely pathogenic. Last evaluated: 2023-09-26. Review status: criteria provided, single submitter. Criteria: ACMG Guidelines, 2015. Collection method: clinical testing. Allele origin: germline.

Literature cited by the submitters: PubMed 16770791 (cited by Labcorp Genetics (formerly Invitae), Labcorp); PubMed 25007885 (cited by Labcorp Genetics (formerly Invitae), Labcorp).

NM_004006.3(DMD):c.9184dup (p.Glu3062fs)

Gene: DMD (dystrophin; minus strand). Cytogenetic location: Xp21.2.
Variant type: Duplication.
Coding change: c.9184dup on transcript NM_004006.3 (MANE Select); coding-DNA position 9184, one base duplicated (G; older notation c.9184dupG).
Protein change: p.Glu3062fs; shifts the reading frame from glutamic acid 3062.
Molecular consequence: frameshift variant.
Genome position (GRCh38, 1-based): chrX:31,323,638, C duplicated on the plus strand (G on the coding strand, the reverse complement: DMD is on the minus strand); the first of 3 consecutive C bases (chrX:31,323,638-31,323,640); duplicating any one gives the same sequence. VCF-style (leftmost placement, unchanged base first): chrX-31323637-T-TC. GRCh37 (hg19) VCF-style: chrX-31341754-T-TC.
Other names: c.9184dup (NM_004006.2); c.9160dup, p.Glu3054fs (NM_000109.4); c.9172dup, p.Glu3058fs (NM_004009.3); c.8815dup, p.Glu2939fs (NM_004010.3); c.5161dup, p.Glu1721fs (NM_004011.4); c.5152dup, p.Glu1718fs (NM_004012.4); c.1804dup, p.Glu602fs (NM_004013.3, NM_004020.4, NM_004021.3 and 2 more transcripts); c.997dup, p.Glu333fs (NM_004014.3); short protein forms E1718fs, E333fs, E602fs, E2939fs, E3054fs, E3062fs, E1721fs, E3058fs.
Identifiers: ClinVar variation 2854007 (VCV002854007.4), dbSNP rs2148297268, ClinGen allele CA2739268162.